The following is an entry in ClinVar:

ClinVar aggregate classification (germline): Uncertain significance (1 of 4 stars; one submission).

Conditions:
Cardiovascular phenotype. Identifiers: MedGen CN230736.

Allele frequency attached by ClinVar (database versions not stated): TOPMed below 0.00001; gnomAD 0.00001.
gnomAD v4.1: 1 of 1,613,920 alleles (0.000062%); highest among the groups gnomAD compares: Non-Finnish European, 0.000085%; no homozygotes.

Submission:

Ambry Genetics
Classification: Uncertain significance for Cardiovascular phenotype. Last evaluated: 2023-12-11. Review status: criteria provided, single submitter. Criteria: Ambry Variant Classification Scheme 2023. Collection method: clinical testing. Allele origin: germline.
Comment: The p.S2748F variant (also known as c.8243C>T), located in coding exon 33 of the AKAP9 gene, results from a C to T substitution at nucleotide position 8243. The serine at codon 2748 is replaced by phenylalanine, an amino acid with highly dissimilar properties. This amino acid position is conserved. In addition, this alteration is predicted to be tolerated by in silico analysis. Since supporting evidence is limited at this time, the clinical significance of this alteration remains unclear.

NM_005751.5(AKAP9):c.8243C>T (p.Ser2748Phe)

Gene: AKAP9 (A-kinase anchoring protein 9; plus strand). Cytogenetic location: 7q21.2.
Variant type: single nucleotide variant.
Coding change: c.8243C>T on transcript NM_005751.5 (MANE Select); coding-DNA position 8243, C replaced by T.
Protein change: p.Ser2748Phe; replaces serine 2748 with phenylalanine.
Molecular consequence: missense variant.
Genome position (GRCh38, 1-based): chr7:92,083,252, C>T. VCF-style: chr7-92083252-C-T. GRCh37 (hg19) VCF-style: chr7-91712566-C-T.
Other names: c.2888C>T, p.Ser963Phe (NM_001379277.1); c.8219C>T, p.Ser2740Phe (NM_147185.3); short protein forms S2740F, S2748F, S963F.
Identifiers: ClinVar variation 3225098 (VCV003225098.1), dbSNP rs866236214, ClinGen allele CA161887138.